The following is an entry in ClinVar:

NM_000051.4(ATM):c.7535C>T (p.Pro2512Leu)

Genes: ATM (ATM serine/threonine kinase; plus strand), C11orf65 (chromosome 11 open reading frame 65; minus strand). Cytogenetic location: 11q22.3.
Variant type: single nucleotide variant.
Coding change: c.7535C>T on transcript NM_000051.4 (MANE Select); coding-DNA position 7535, C replaced by T.
Protein change: p.Pro2512Leu; replaces proline 2512 with leucine.
Molecular consequence: missense variant. On other transcripts: non-coding transcript variant (1), intron variant (2).
Genome position (GRCh38, 1-based): chr11:108,331,463, C>T. VCF-style: chr11-108331463-C-T. GRCh37 (hg19) VCF-style: chr11-108202190-C-T.
Other names: c.7535C>T, p.Pro2512Leu (NM_001351834.2); c.641-22392G>A (NM_001330368.2); c.*38+3757G>A (NM_001351110.2); short protein forms P2512L.
Identifiers: ClinVar variation 573124 (VCV000573124.29), dbSNP rs1237858258, ClinGen allele CA382560675.
Genomic context (GRCh38, chr11:108,331,463, plus strand): 5'-ATACCTTGTTTCTTAATTTTGTGTCTTTTTTTTAATGGTAGAGAGACGGAATGAAGATTC[C>T]AACATATAAATTTTTGCCTCTTATGTACCAATTGGCTGCTAGAATGGGGACCAAGATGAT-3'
Protein context (NP_000042.3, residues 2502-2522): GMMKRDGMKI[Pro2512Leu]TYKFLPLMYQ

ClinVar aggregate classification (germline): Uncertain significance. Review status: criteria provided, multiple submitters, no conflicts (2 of 4 stars). 4 submissions from 4 submitters: Uncertain significance (3). 1 of the submissions does not count toward it. Last evaluated 2025-11-27.

Conditions:
Hereditary cancer-predisposing syndrome. Also called: Hereditary Cancer Syndrome; Neoplastic Syndromes, Hereditary; Tumor predisposition; Hereditary neoplastic syndrome. Identifiers: Orphanet 140162, MedGen C0027672, MeSH D009386, MONDO:0015356.
Ataxia-telangiectasia syndrome (AT). Also called: Cerebello-oculocutaneous telangiectasia; Immunodeficiency with ataxia telangiectasia; Ataxia-telangiectasia, complementation group E; Ataxia-telangiectasia, complementation group D; AT, COMPLEMENTATION GROUP C; ATAXIA-TELANGIECTASIA, COMPLEMENTATION GROUP A. Identifiers: Orphanet 100, MedGen C0004135, MONDO:0008840, OMIM 208900.

Allele frequency attached by ClinVar (database versions not stated): gnomAD exomes below 0.00001; gnomAD 0.00001; TOPMed 0.00001.
gnomAD v4.1: 2 of 1,611,370 alleles (0.00012%); highest among the groups gnomAD compares: African/African-American, 0.0027%; no homozygotes.

Submissions (4):

Labcorp Genetics (formerly Invitae), Labcorp
Classification: Uncertain significance for Ataxia-telangiectasia syndrome. Last evaluated: 2025-11-27. Review status: criteria provided, single submitter. Criteria: Invitae Variant Classification Sherloc (09022015). Collection method: clinical testing. Allele origin: germline.
Comment: This sequence change replaces proline, which is neutral and non-polar, with leucine, which is neutral and non-polar, at codon 2512 of the ATM protein (p.Pro2512Leu). This variant is not present in population databases (gnomAD no frequency). This variant has not been reported in the literature in individuals affected with ATM-related conditions. ClinVar contains an entry for this variant (Variation ID: 573124). Invitae Evidence Modeling of protein sequence and biophysical properties (such as structural, functional, and spatial information, amino acid conservation, physicochemical variation, residue mobility, and thermodynamic stability) has been performed for this missense variant. However, the output from this modeling did not meet the statistical confidence thresholds required to predict the impact of this variant on ATM protein function. RNA analysis performed to evaluate the impact of this missense change on mRNA splicing indicates it does not significantly alter splicing (internal data). In summary, the available evidence is currently insufficient to determine the role of this variant in disease. Therefore, it has been classified as a Variant of Uncertain Significance.

Ambry Genetics
Classification: Uncertain significance for Hereditary cancer-predisposing syndrome. Last evaluated: 2024-05-18. Review status: criteria provided, single submitter. Criteria: Ambry Variant Classification Scheme 2023. Collection method: clinical testing. Allele origin: germline.
Comment: The p.P2512L variant (also known as c.7535C>T), located in coding exon 50 of the ATM gene, results from a C to T substitution at nucleotide position 7535. The proline at codon 2512 is replaced by leucine, an amino acid with similar properties. This amino acid position is well conserved in available vertebrate species. In addition, the in silico prediction for this alteration is inconclusive. Since supporting evidence is limited at this time, the clinical significance of this alteration remains unclear.

Color Diagnostics, LLC DBA Color Health
Classification: Uncertain significance for Hereditary cancer-predisposing syndrome. Last evaluated: 2020-02-09. Review status: criteria provided, single submitter. Criteria: ACMG Guidelines, 2015. Collection method: clinical testing. Allele origin: germline.
Comment: This missense variant replaces proline with leucine at codon 2512 of the ATM protein. Computational prediction suggests that this variant may have deleterious impact on protein structure and function (internally defined REVEL score threshold >= 0.7, PMID: 27666373). Splice site prediction tools suggest that this variant may not impact RNA splicing. To our knowledge, functional studies have not been performed for this variant. This variant has not been reported in individuals affected with hereditary cancer in the literature. This variant has not been identified in the general population by the Genome Aggregation Database (gnomAD). The available evidence is insufficient to determine the role of this variant in disease conclusively. Therefore, this variant is classified as a Variant of Uncertain Significance.

Natera, Inc.
Classification: Uncertain significance for Ataxia-telangiectasia. Last evaluated: 2021-05-27. Review status: no assertion criteria provided. Collection method: clinical testing. Allele origin: germline. Not counted in ClinVar's aggregate classification.